The following is an entry in ClinVar:

ClinVar aggregate classification (germline): Uncertain significance (1 of 4 stars; one submission).

Conditions:
Hereditary cancer-predisposing syndrome. Also called: Hereditary neoplastic syndrome; Neoplastic Syndromes, Hereditary; Tumor predisposition; Hereditary Cancer Syndrome. Identifiers: Orphanet 140162, MedGen C0027672, MeSH D009386, MONDO:0015356.

Submission:

Ambry Genetics
Classification: Uncertain significance for Hereditary cancer-predisposing syndrome. Last evaluated: 2025-01-03. Review status: criteria provided, single submitter. Criteria: Ambry Variant Classification Scheme 2023. Collection method: clinical testing. Allele origin: germline.
Comment: The c.1907+4A>G intronic variant results from an A to G substitution 4 nucleotides after coding exon 6 in the AXIN2 gene. This nucleotide position is well conserved in available vertebrate species. In silico splice site analysis predicts that this alteration will weaken the native splice donor site; however, direct evidence is insufficient at this time (Ambry internal data). Based on the available evidence, the clinical significance of this variant remains unclear.

NM_004655.4(AXIN2):c.1907+4A>G

Gene: AXIN2 (axin 2; minus strand). Cytogenetic location: 17q24.1.
Variant type: single nucleotide variant.
Coding change: c.1907+4A>G on transcript NM_004655.4 (MANE Select); 4 bases into the intron after coding-DNA position 1907, A replaced by G.
Molecular consequence: intron variant.
Genome position (GRCh38, 1-based): chr17:65,536,865, T>C on the plus strand (A>G on the coding strand, the complement: AXIN2 is on the minus strand). VCF-style: chr17-65536865-T-C. GRCh37 (hg19) VCF-style: chr17-63532983-T-C.
Other names: c.1713-312A>G (NM_001363813.1).
Identifiers: ClinVar variation 3814180 (VCV003814180.1).